The following is an entry in ClinVar:

NM_031476.4(CRISPLD2):c.1029C>T (p.Asp343=)

Gene: CRISPLD2 (cysteine rich secretory protein LCCL domain containing 2; plus strand). Cytogenetic location: 16q24.1.
Variant type: single nucleotide variant.
Coding change: c.1029C>T on transcript NM_031476.4 (MANE Select); coding-DNA position 1029, C replaced by T.
Protein change: p.Asp343=; no amino-acid change (aspartic acid 343 retained).
Molecular consequence: synonymous variant.
Genome position (GRCh38, 1-based): chr16:84,873,039, C>T. VCF-style: chr16-84873039-C-T. GRCh37 (hg19) VCF-style: chr16-84906645-C-T.
Identifiers: ClinVar variation 3035146 (VCV003035146.2), dbSNP rs34582606, ClinGen allele CA8211866.

ClinVar aggregate classification (germline): Benign (0 of 4 stars; one submission).

Conditions:
CRISPLD2-related disorder. Also called: CRISPLD2-related condition.

Allele frequency attached by ClinVar (database versions not stated): 1000 Genomes Project 30x 0.00515; 1000 Genomes Project 0.00519; ESP Exome Variant Server 0.00692.

Submission:

PreventionGenetics, part of Exact Sciences
Classification: Benign for CRISPLD2-related condition. Last evaluated: 2019-03-25. Review status: no assertion criteria provided. Collection method: clinical testing. Allele origin: germline.
Comment: This variant is classified as benign based on ACMG/AMP sequence variant interpretation guidelines (Richards et al. 2015 PMID: 25741868, with internal and published modifications).